The following is an entry in ClinVar:

NM_207352.4(CYP4V2):c.24C>T (p.Leu8=)

Genes: CYP4V2 (cytochrome P450 family 4 subfamily V member 2; plus strand), LOC129993526 (ATAC-STARR-seq lymphoblastoid silent region 15858; plus strand). Cytogenetic location: 4q35.1.
Variant type: single nucleotide variant.
Coding change: c.24C>T on transcript NM_207352.4 (MANE Select); coding-DNA position 24, C replaced by T.
Protein change: p.Leu8=; no amino-acid change (leucine 8 retained).
Molecular consequence: synonymous variant.
Genome position (GRCh38, 1-based): chr4:186,191,847, C>T. VCF-style: chr4-186191847-C-T. GRCh37 (hg19) VCF-style: chr4-187113001-C-T.
Identifiers: ClinVar variation 348296 (VCV000348296.17), dbSNP rs202148693, ClinGen allele CA3162406.

ClinVar aggregate classification (germline): Conflicting classifications of pathogenicity. Review status: criteria provided, conflicting classifications (1 of 4 stars). 5 submissions from 4 submitters: Uncertain significance (1); Benign (3); Likely benign (1). Last evaluated 2026-01-26.

Conditions:
Corneal dystrophy. Identifiers: Orphanet 34533, MedGen C0010036, MONDO:0018102, HP:0001131.
Retinal dystrophy. Also called: Inherited retinal dystrophy. Identifiers: Orphanet 71862, MedGen C0854723, MeSH D058499, MONDO:0019118, HP:0000556.
Bietti crystalline corneoretinal dystrophy (BCD). Also called: Bietti Crystalline Dystrophy; BIETTI TAPETORETINAL DEGENERATION WITH MARGINAL CORNEAL DYSTROPHY. Identifiers: Orphanet 41751, MedGen C1859486, MONDO:0008865, OMIM 210370.

Allele frequency attached by ClinVar (database versions not stated): gnomAD 0.00077; TOPMed 0.00102; gnomAD exomes 0.00107; ExAC 0.00232; 1000 Genomes Project 30x 0.00406; 1000 Genomes Project 0.00459.
gnomAD v4.1: 600 of 1,577,370 alleles (0.038%); highest among the groups gnomAD compares: East Asian, 0.69%; 6 homozygotes.

Submissions (5):

Labcorp Genetics (formerly Invitae), Labcorp
Classification: Benign. Last evaluated: 2026-01-26. Review status: criteria provided, single submitter. Criteria: Invitae Variant Classification Sherloc (09022015). Collection method: clinical testing. Allele origin: germline.

Blueprint Genetics
Classification: Likely benign. Last evaluated: 2024-10-08. Review status: criteria provided, single submitter. Criteria: ACMG Guidelines, 2015. Collection method: clinical testing. Allele origin: germline.

Dept Of Ophthalmology, Nagoya University
Classification: Benign for Retinal dystrophy. Last evaluated: 2023-10-01. Review status: criteria provided, single submitter. Criteria: Submitter's publication. Collection method: research. Allele origin: germline. Affected: yes.

Illumina Laboratory Services, Illumina
Classification: Benign for Bietti crystalline corneoretinal dystrophy. Last evaluated: 2018-01-13. Review status: criteria provided, single submitter. Criteria: ICSL Variant Classification Criteria 13 December 2019. Collection method: clinical testing. Allele origin: germline.
Comment: This variant was observed in the ICSL laboratory as part of a predisposition screen in an ostensibly healthy population. It had not been previously curated by ICSL or reported in the Human Gene Mutation Database (HGMD: prior to June 1st, 2018), and was therefore a candidate for classification through an automated scoring system. Utilizing variant allele frequency, disease prevalence and penetrance estimates, and inheritance mode, an automated score was calculated to assess if this variant is too frequent to cause the disease. Based on the score and internal cut-off values, a variant classified as benign is not then subjected to further curation. The score for this variant resulted in a classification of benign for this disease.

Illumina Laboratory Services, Illumina
Classification: Uncertain significance for Corneal dystrophy. Last evaluated: 2018-01-13. Review status: criteria provided, single submitter. Criteria: ICSL Variant Classification Criteria 13 December 2019. Collection method: clinical testing. Allele origin: germline.